The following is an entry in ClinVar:

NM_001277115.2(DNAH11):c.8734C>G (p.Leu2912Val)

Gene: DNAH11 (dynein axonemal heavy chain 11; plus strand). Cytogenetic location: 7p15.3.
Variant type: single nucleotide variant.
Coding change: c.8734C>G on transcript NM_001277115.2 (MANE Select); coding-DNA position 8734, C replaced by G.
Protein change: p.Leu2912Val; replaces leucine 2912 with valine.
Molecular consequence: missense variant.
Genome position (GRCh38, 1-based): chr7:21,749,738, C>G. VCF-style: chr7-21749738-C-G. GRCh37 (hg19) VCF-style: chr7-21789356-C-G.
Other names: short protein forms L2912V.
Identifiers: ClinVar variation 655265 (VCV000655265.6), dbSNP rs1583656768, ClinGen allele CA366955813.

ClinVar aggregate classification (germline): Uncertain significance (1 of 4 stars; one submission).

Conditions:
Primary ciliary dyskinesia. Also called: Ciliary dyskinesia. Identifiers: Orphanet 244, MedGen C0008780, MONDO:0016575, HP:0012265.

Allele frequency attached by ClinVar (database versions not stated): gnomAD exomes below 0.00001; gnomAD 0.00001; TOPMed 0.00001.
gnomAD v4.1: 3 of 1,613,874 alleles (0.00019%); highest among the groups gnomAD compares: African/African-American, 0.0027%; no homozygotes.

Submission:

Labcorp Genetics (formerly Invitae), Labcorp
Classification: Uncertain significance for Primary ciliary dyskinesia. Last evaluated: 2021-08-27. Review status: criteria provided, single submitter. Criteria: Invitae Variant Classification Sherloc (09022015). Collection method: clinical testing. Allele origin: germline.
Comment: This sequence change replaces leucine with valine at codon 2912 of the DNAH11 protein (p.Leu2912Val). The leucine residue is highly conserved and there is a small physicochemical difference between leucine and valine. This variant is not present in population databases (ExAC no frequency). This variant has not been reported in the literature in individuals affected with DNAH11-related conditions. Algorithms developed to predict the effect of missense changes on protein structure and function are either unavailable or do not agree on the potential impact of this missense change (SIFT: "Deleterious"; PolyPhen-2: "Possibly Damaging"; Align-GVGD: "Class C0"). Algorithms developed to predict the effect of sequence changes on RNA splicing suggest that this variant may create or strengthen a splice site. In summary, the available evidence is currently insufficient to determine the role of this variant in disease. Therefore, it has been classified as a Variant of Uncertain Significance.